The following is an entry in ClinVar:

NM_198578.4(LRRK2):c.5630T>A (p.Phe1877Tyr)

Gene: LRRK2 (leucine rich repeat kinase 2; plus strand). Cytogenetic location: 12q12.
Variant type: single nucleotide variant.
Coding change: c.5630T>A on transcript NM_198578.4 (MANE Select); coding-DNA position 5630, T replaced by A.
Protein change: p.Phe1877Tyr; replaces phenylalanine 1877 with tyrosine.
Molecular consequence: missense variant.
Genome position (GRCh38, 1-based): chr12:40,323,280, T>A. VCF-style: chr12-40323280-T-A. GRCh37 (hg19) VCF-style: chr12-40717082-T-A.
Other names: short protein forms F1877Y.
Identifiers: ClinVar variation 1748762 (VCV001748762.3), dbSNP rs2499889276, ClinGen allele CA384421210.

ClinVar aggregate classification (germline): Uncertain significance (1 of 4 stars; one submission).

Conditions:
Inborn genetic diseases. Identifiers: MedGen C0950123, MeSH D030342.

Submission:

Ambry Genetics
Classification: Uncertain significance for Inborn genetic diseases. Last evaluated: 2024-10-25. Review status: criteria provided, single submitter. Criteria: Ambry Variant Classification Scheme 2023. Collection method: clinical testing. Allele origin: germline.
Comment: The p.F1877Y variant (also known as c.5630T>A), located in coding exon 38 of the LRRK2 gene, results from a T to A substitution at nucleotide position 5630. The phenylalanine at codon 1877 is replaced by tyrosine, an amino acid with highly similar properties. This amino acid position is conserved. In addition, this alteration is predicted to be tolerated by in silico analysis. Since supporting evidence is limited at this time, the clinical significance of this alteration remains unclear.